The following is an entry in ClinVar:

ClinVar aggregate classification (germline): Uncertain significance. Review status: criteria provided, multiple submitters, no conflicts (2 of 4 stars). 3 submissions from 3 submitters: Uncertain significance (3). Last evaluated 2024-10-04.

Conditions:
Sitosterolemia 1. Identifiers: MedGen C2749759, MONDO:0020747, OMIM 210250.
Cardiovascular phenotype. Identifiers: MedGen CN230736.
Sitosterolemia 2. Identifiers: MedGen C5231453, MONDO:0020748, OMIM 618666.

Allele frequency attached by ClinVar (database versions not stated): gnomAD exomes 0.00001 and below 0.00001; gnomAD 0.00001; ExAC 0.00002; TOPMed below 0.00001.
gnomAD v4.1: 6 of 1,614,046 alleles (0.00037%); highest among the groups gnomAD compares: Admixed American, 0.0083%; no homozygotes.

Submissions (3):

Ambry Genetics
Classification: Uncertain significance for Cardiovascular phenotype. Last evaluated: 2024-10-04. Review status: criteria provided, single submitter. Criteria: Ambry Variant Classification Scheme 2023. Collection method: clinical testing. Allele origin: germline.
Comment: The p.V180M variant (also known as c.538G>A), located in coding exon 5 of the ABCG5 gene, results from a G to A substitution at nucleotide position 538. The valine at codon 180 is replaced by methionine, an amino acid with highly similar properties. This amino acid position is conserved. In addition, the in silico prediction for this alteration is inconclusive. Based on the available evidence, the clinical significance of this variant remains unclear.

Revvity Omics, Revvity
Classification: Uncertain significance for Sitosterolemia 2. Last evaluated: 2023-06-29. Review status: criteria provided, single submitter. Criteria: ACMG Guidelines, 2015. Collection method: clinical testing. Allele origin: germline.

Illumina Laboratory Services, Illumina
Classification: Uncertain significance for Sitosterolemia 1. Last evaluated: 2017-04-28. Review status: criteria provided, single submitter. Criteria: ICSL Variant Classification Criteria 13 December 2019. Collection method: clinical testing. Allele origin: germline.

NM_022436.3(ABCG5):c.538G>A (p.Val180Met)

Genes: ABCG5 (ATP binding cassette subfamily G member 5; minus strand), DYNC2LI1 (dynein cytoplasmic 2 light intermediate chain 1; plus strand). Cytogenetic location: 2p21.
Variant type: single nucleotide variant.
Coding change: c.538G>A on transcript NM_022436.3 (MANE Select); coding-DNA position 538, G replaced by A.
Protein change: p.Val180Met; replaces valine 180 with methionine.
Molecular consequence: missense variant. On other transcripts: 3 prime UTR variant (2).
Genome position (GRCh38, 1-based): chr2:43,828,079, C>T on the plus strand (G>A on the coding strand, the complement: ABCG5 is on the minus strand). VCF-style: chr2-43828079-C-T. GRCh37 (hg19) VCF-style: chr2-44055218-C-T.
Other names: c.*709C>T (NM_001348912.2, NM_001348913.2); short protein forms V180M.
Identifiers: ClinVar variation 898038 (VCV000898038.9), dbSNP rs761153980, ClinGen allele CA1636619.